The following is an entry in ClinVar:

ClinVar aggregate classification (germline): Uncertain significance (1 of 4 stars; one submission).

Allele frequency attached by ClinVar (database versions not stated): gnomAD exomes below 0.00001 and 0.00001; gnomAD 0.00001.
gnomAD v4.1: 22 of 1,613,034 alleles (0.0014%); highest among the groups gnomAD compares: East Asian, 0.0045%; no homozygotes.

Submission:

Labcorp Genetics (formerly Invitae), Labcorp
Classification: Uncertain significance. Last evaluated: 2025-09-05. Review status: criteria provided, single submitter. Criteria: Invitae Variant Classification Sherloc (09022015). Collection method: clinical testing. Allele origin: germline.
Comment: This sequence change replaces arginine, which is basic and polar, with glutamine, which is neutral and polar, at codon 1429 of the PTPN23 protein (p.Arg1429Gln). The frequency data for this variant in the population databases is considered unreliable, as metrics indicate poor data quality at this position in the gnomAD database. This variant has not been reported in the literature in individuals affected with PTPN23-related conditions. ClinVar contains an entry for this variant (Variation ID: 1363186). An algorithm developed to predict the effect of missense changes on protein structure and function (PolyPhen-2) suggests that this variant is likely to be disruptive. In summary, the available evidence is currently insufficient to determine the role of this variant in disease. Therefore, it has been classified as a Variant of Uncertain Significance.

NM_015466.4(PTPN23):c.4286G>A (p.Arg1429Gln)

Gene: PTPN23 (protein tyrosine phosphatase non-receptor type 23; plus strand). Cytogenetic location: 3p21.31.
Variant type: single nucleotide variant.
Coding change: c.4286G>A on transcript NM_015466.4 (MANE Select); coding-DNA position 4286, G replaced by A.
Protein change: p.Arg1429Gln; replaces arginine 1429 with glutamine.
Molecular consequence: missense variant.
Genome position (GRCh38, 1-based): chr3:47,412,390, G>A. VCF-style: chr3-47412390-G-A. GRCh37 (hg19) VCF-style: chr3-47453880-G-A.
Other names: c.3908G>A, p.Arg1303Gln (NM_001304482.2); short protein forms R1303Q, R1429Q.
Identifiers: ClinVar variation 1363186 (VCV001363186.4), dbSNP rs1347050663, ClinGen allele CA352566459.